The following is an entry in ClinVar:

ClinVar aggregate classification (germline): Conflicting classifications of pathogenicity. Review status: criteria provided, conflicting classifications (1 of 4 stars). 2 submissions from 2 submitters: Uncertain significance (1); Likely benign (1). Last evaluated 2025-05-03.

Conditions:
Cardiovascular phenotype. Identifiers: MedGen CN230736.
Alstrom syndrome (ALMS). Identifiers: Orphanet 64, MedGen C0268425, MONDO:0008763, OMIM 203800.

Allele frequency attached by ClinVar (database versions not stated): ExAC 0.00001.
gnomAD v4.1: 5 of 1,613,966 alleles (0.00031%); highest among the groups gnomAD compares: Non-Finnish European, 0.00034%; no homozygotes.

Submissions (2):

Ambry Genetics
Classification: Likely benign for Cardiovascular phenotype. Last evaluated: 2025-05-03. Review status: criteria provided, single submitter. Criteria: Ambry Variant Classification Scheme 2023. Collection method: clinical testing. Allele origin: germline.

Labcorp Genetics (formerly Invitae), Labcorp
Classification: Uncertain significance for Alstrom syndrome. Last evaluated: 2025-02-04. Review status: criteria provided, single submitter. Criteria: Invitae Variant Classification Sherloc (09022015). Collection method: clinical testing. Allele origin: germline.
Comment: This sequence change replaces leucine, which is neutral and non-polar, with phenylalanine, which is neutral and non-polar, at codon 159 of the ALMS1 protein (p.Leu159Phe). This variant is present in population databases (rs766862114, gnomAD 0.0009%). This variant has not been reported in the literature in individuals affected with ALMS1-related conditions. ClinVar contains an entry for this variant (Variation ID: 2139379). Experimental studies and prediction algorithms are not available or were not evaluated, and the functional significance of this variant is currently unknown. In summary, the available evidence is currently insufficient to determine the role of this variant in disease. Therefore, it has been classified as a Variant of Uncertain Significance.

NM_001378454.1(ALMS1):c.472C>T (p.Leu158Phe)

Gene: ALMS1 (ALMS1 centrosome and basal body associated protein; plus strand). Cytogenetic location: 2p13.1.
Variant type: single nucleotide variant.
Coding change: c.472C>T on transcript NM_001378454.1 (MANE Select); coding-DNA position 472, C replaced by T.
Protein change: p.Leu158Phe; replaces leucine 158 with phenylalanine.
Molecular consequence: missense variant.
Genome position (GRCh38, 1-based): chr2:73,419,144, C>T. VCF-style: chr2-73419144-C-T. GRCh37 (hg19) VCF-style: chr2-73646272-C-T.
Other names: c.475C>T, p.Leu159Phe (NM_015120.4); short protein forms L158F, L159F.
Identifiers: ClinVar variation 2139379 (VCV002139379.3), dbSNP rs766862114, ClinGen allele CA1712866.
Genomic context (GRCh38, chr2:73,419,144, plus strand): 5'-GTTAATGACTTAGCATGTTTTCCTTTAACATTTTTCTAGAAAACAGAATCTTGGCATTGT[C>T]TTCCTCAAGAAATGGACTCTTCCCAAACCTTGGATACATCCCAGACTAGGTTTAATGTGA-3'
Protein context (NP_001365383.1, residues 148-168): DDQKTESWHC[Leu158Phe]PQEMDSSQTL